The following is an entry in ClinVar:

NM_024747.6(HPS6):c.2249C>T (p.Ser750Leu)

Gene: HPS6 (HPS6 biogenesis of lysosomal organelles complex 2 subunit 3; plus strand). Cytogenetic location: 10q24.32.
Variant type: single nucleotide variant.
Coding change: c.2249C>T on transcript NM_024747.6 (MANE Select); coding-DNA position 2249, C replaced by T.
Protein change: p.Ser750Leu; replaces serine 750 with leucine.
Molecular consequence: missense variant.
Genome position (GRCh38, 1-based): chr10:102,067,723, C>T. VCF-style: chr10-102067723-C-T. GRCh37 (hg19) VCF-style: chr10-103827480-C-T.
Other names: c.2249C>T (NM_024747.5); short protein forms S750L.
Identifiers: ClinVar variation 1371172 (VCV001371172.6), dbSNP rs762224357, ClinGen allele CA5660143.

ClinVar aggregate classification (germline): Uncertain significance. Review status: criteria provided, multiple submitters, no conflicts (2 of 4 stars). 2 submissions from 2 submitters: Uncertain significance (2). Last evaluated 2024-12-07.

Conditions:
Inborn genetic diseases. Identifiers: MedGen C0950123, MeSH D030342.

Allele frequency attached by ClinVar (database versions not stated): ExAC 0.00004; gnomAD exomes 0.00004; TOPMed 0.00005; gnomAD 0.00009.
gnomAD v4.1: 63 of 1,613,286 alleles (0.0039%); highest among the groups gnomAD compares: East Asian, 0.018%; no homozygotes.

Submissions (2):

Ambry Genetics
Classification: Uncertain significance for Inborn genetic diseases. Last evaluated: 2024-12-07. Review status: criteria provided, single submitter. Criteria: Ambry Variant Classification Scheme 2023. Collection method: clinical testing. Allele origin: germline.

Labcorp Genetics (formerly Invitae), Labcorp
Classification: Uncertain significance. Last evaluated: 2024-04-11. Review status: criteria provided, single submitter. Criteria: Invitae Variant Classification Sherloc (09022015). Collection method: clinical testing. Allele origin: germline.
Comment: This sequence change replaces serine, which is neutral and polar, with leucine, which is neutral and non-polar, at codon 750 of the HPS6 protein (p.Ser750Leu). This variant is present in population databases (rs762224357, gnomAD 0.04%). This variant has not been reported in the literature in individuals affected with HPS6-related conditions. ClinVar contains an entry for this variant (Variation ID: 1371172). Advanced modeling of protein sequence and biophysical properties (such as structural, functional, and spatial information, amino acid conservation, physicochemical variation, residue mobility, and thermodynamic stability) performed at Invitae indicates that this missense variant is not expected to disrupt HPS6 protein function with a negative predictive value of 80%. In summary, the available evidence is currently insufficient to determine the role of this variant in disease. Therefore, it has been classified as a Variant of Uncertain Significance.